The following is an entry in ClinVar:

NM_001127198.5(TMC6):c.496C>T (p.Arg166Cys)

Gene: TMC6 (transmembrane channel like 6; minus strand). Cytogenetic location: 17q25.3.
Variant type: single nucleotide variant.
Coding change: c.496C>T on transcript NM_001127198.5 (MANE Select); coding-DNA position 496, C replaced by T.
Protein change: p.Arg166Cys; replaces arginine 166 with cysteine.
Molecular consequence: missense variant. On other transcripts: non-coding transcript variant (4).
Genome position (GRCh38, 1-based): chr17:78,125,198, G>A on the plus strand (C>T on the coding strand, the complement: TMC6 is on the minus strand). VCF-style: chr17-78125198-G-A. GRCh37 (hg19) VCF-style: chr17-76121279-G-A.
Other names: c.496C>T, p.Arg166Cys (NM_001321185.1, NM_001374593.1, NM_001374594.1 and 4 more transcripts); short protein forms R166C.
Identifiers: ClinVar variation 1503954 (VCV001503954.5), dbSNP rs1324634722, ClinGen allele CA401233983.

ClinVar aggregate classification (germline): Uncertain significance (1 of 4 stars; one submission).

Conditions:
Epidermodysplasia verruciformis. Identifiers: Orphanet 302, MedGen C0014522, MONDO:0009176.

Allele frequency attached by ClinVar (database versions not stated): gnomAD 0.00001; gnomAD exomes 0.00001 and 0.00002; TOPMed 0.00005.

Submission:

Labcorp Genetics (formerly Invitae), Labcorp
Classification: Uncertain significance for Epidermodysplasia verruciformis. Last evaluated: 2022-02-03. Review status: criteria provided, single submitter. Criteria: Invitae Variant Classification Sherloc (09022015). Collection method: clinical testing. Allele origin: germline.
Comment: This sequence change replaces arginine, which is basic and polar, with cysteine, which is neutral and slightly polar, at codon 166 of the TMC6 protein (p.Arg166Cys). The frequency data for this variant in the population databases is considered unreliable, as metrics indicate poor data quality at this position in the gnomAD database. This variant has not been reported in the literature in individuals affected with TMC6-related conditions. Algorithms developed to predict the effect of missense changes on protein structure and function are either unavailable or do not agree on the potential impact of this missense change (SIFT: "Not Available"; PolyPhen-2: "Probably Damaging"; Align-GVGD: "Not Available"). In summary, the available evidence is currently insufficient to determine the role of this variant in disease. Therefore, it has been classified as a Variant of Uncertain Significance.